The following is an entry in ClinVar:

NM_002317.7(LOX):c.295A>T (p.Thr99Ser)

Genes: LOX (lysyl oxidase; minus strand), SRFBP1 (serum response factor binding protein 1; plus strand). Cytogenetic location: 5q23.1.
Variant type: single nucleotide variant.
Coding change: c.295A>T on transcript NM_002317.7 (MANE Select); coding-DNA position 295, A replaced by T.
Protein change: p.Thr99Ser; replaces threonine 99 with serine.
Molecular consequence: missense variant.
Genome position (GRCh38, 1-based): chr5:122,077,691, T>A on the plus strand (A>T on the coding strand, the complement: LOX is on the minus strand). VCF-style: chr5-122077691-T-A. GRCh37 (hg19) VCF-style: chr5-121413386-T-A.
Other names: short protein forms T99S.
Identifiers: ClinVar variation 4098966 (VCV004098966.1).
Genomic context (GRCh38, chr5:122,077,691, plus strand): 5'-GCCTGGGGCGGCCAGCGGTGACTCCAGATGAGCCGGCCGTCCGCGTTCGCGCCGCGGCGG[T>A]GCGGTTGTCGCGGATCAGCAGGATCGGAGTGCGGGGCTGCTGGGCGGAGGCGTTGGCTGC-3'
Protein context (NP_002308.2, residues 89-109): TPILLIRDNR[Thr99Ser]AAARTRTAGS

ClinVar aggregate classification (germline): Uncertain significance (1 of 4 stars; one submission).

Conditions:
Cardiovascular phenotype. Identifiers: MedGen CN230736.

Submission:

Ambry Genetics
Classification: Uncertain significance for Cardiovascular phenotype. Last evaluated: 2025-08-06. Review status: criteria provided, single submitter. Criteria: Ambry Variant Classification Scheme 2023. Collection method: clinical testing. Allele origin: germline.
Comment: The p.T99S variant (also known as c.295A>T), located in coding exon 1 of the LOX gene, results from an A to T substitution at nucleotide position 295. The threonine at codon 99 is replaced by serine, an amino acid with similar properties. This amino acid position is conserved. In addition, this alteration is predicted to be tolerated by in silico analysis. Based on the available evidence, the clinical significance of this variant remains unclear.